The following is an entry in ClinVar:

NM_006265.3(RAD21):c.202C>T (p.His68Tyr)

Gene: RAD21 (RAD21 cohesin complex component; minus strand). Cytogenetic location: 8q24.11.
Variant type: single nucleotide variant.
Coding change: c.202C>T on transcript NM_006265.3 (MANE Select); coding-DNA position 202, C replaced by T.
Protein change: p.His68Tyr; replaces histidine 68 with tyrosine.
Molecular consequence: missense variant.
Genome position (GRCh38, 1-based): chr8:116,863,202, G>A on the plus strand (C>T on the coding strand, the complement: RAD21 is on the minus strand). VCF-style: chr8-116863202-G-A. GRCh37 (hg19) VCF-style: chr8-117875441-G-A.
Other names: short protein forms H68Y.
Identifiers: ClinVar variation 4538166 (VCV004538166.1).
Genomic context (GRCh38, chr8:116,863,202, plus strand): 5'-CCATCTTTATCTTAATGAATGCTTCATTACAGTCTGCAAGAAGGTATTTGGCTTTCCTGT[G>A]ATAGATTCGAACTACTCCCAGTAAGAGATGTCCTGATGTCCGTAATGCCATTTTCACCTA-3'
Protein context (NP_006256.1, residues 58-78): HLLLGVVRIY[His68Tyr]RKAKYLLADC

ClinVar aggregate classification (germline): Uncertain significance (1 of 4 stars; one submission).

Submission:

GeneDx
Classification: Uncertain significance. Last evaluated: 2025-06-09. Review status: criteria provided, single submitter. Criteria: GeneDx Variant Classification Process June 2021. Collection method: clinical testing. Allele origin: germline. Affected: yes.
Comment: Not observed at significant frequency in large population cohorts (gnomAD); In silico analysis supports that this missense variant has a deleterious effect on protein structure/function; Has not been previously published as pathogenic or benign to our knowledge